The following is an entry in ClinVar:

ClinVar aggregate classification (germline): Uncertain significance. Review status: criteria provided, multiple submitters, no conflicts (2 of 4 stars). 2 submissions from 2 submitters: Uncertain significance (2). Last evaluated 2024-11-22.

Conditions:
Very long chain acyl-CoA dehydrogenase deficiency (ACADVLD). Also called: VLCAD Deficiency; Very Long-Chain Acyl-Coenzyme A Dehydrogenase Deficiency. Identifiers: Orphanet 26793, MedGen C3887523, MONDO:0008723, OMIM 201475.
ACADVL-related disorder. Also called: ACADVL-related condition.

Allele frequency attached by ClinVar (database versions not stated): gnomAD exomes below 0.00001; gnomAD 0.00001; TOPMed 0.00002.
gnomAD v4.1: 3 of 1,547,414 alleles (0.00019%); highest among the groups gnomAD compares: African/African-American, 0.0013%; no homozygotes.

Submissions (2):

PreventionGenetics, part of Exact Sciences
Classification: Uncertain significance for ACADVL-related condition. Last evaluated: 2024-11-22. Review status: criteria provided, single submitter. Criteria: ACMG Guidelines, 2015. Collection method: clinical testing. Allele origin: germline.
Comment: The ACADVL c.91C>T variant is predicted to result in the amino acid substitution p.Pro31Ser. To our knowledge, this variant has not been reported in the literature. This variant is not present in gnomAD. At this time, the clinical significance of this variant is uncertain due to the absence of conclusive functional and genetic evidence.

Labcorp Genetics (formerly Invitae), Labcorp
Classification: Uncertain significance for Very long chain acyl-CoA dehydrogenase deficiency. Last evaluated: 2022-08-10. Review status: criteria provided, single submitter. Criteria: Invitae Variant Classification Sherloc (09022015). Collection method: clinical testing. Allele origin: germline.
Comment: This sequence change replaces proline, which is neutral and non-polar, with serine, which is neutral and polar, at codon 31 of the ACADVL protein (p.Pro31Ser). This variant is not present in population databases (gnomAD no frequency). This variant has not been reported in the literature in individuals affected with ACADVL-related conditions. ClinVar contains an entry for this variant (Variation ID: 1520638). Algorithms developed to predict the effect of missense changes on protein structure and function are either unavailable or do not agree on the potential impact of this missense change (SIFT: "Tolerated"; PolyPhen-2: "Not Available"; Align-GVGD: "Class C0"). In summary, the available evidence is currently insufficient to determine the role of this variant in disease. Therefore, it has been classified as a Variant of Uncertain Significance.

NM_000018.4(ACADVL):c.91C>T (p.Pro31Ser)

Genes: ACADVL (acyl-CoA dehydrogenase very long chain; plus strand), LOC130060113 (ATAC-STARR-seq lymphoblastoid silent region 8088; plus strand). Cytogenetic location: 17p13.1.
Variant type: single nucleotide variant.
Coding change: c.91C>T on transcript NM_000018.4 (MANE Select); coding-DNA position 91, C replaced by T.
Protein change: p.Pro31Ser; replaces proline 31 with serine.
Molecular consequence: missense variant. On other transcripts: 5 prime UTR variant (1).
Genome position (GRCh38, 1-based): chr17:7,220,150, C>T. VCF-style: chr17-7220150-C-T. GRCh37 (hg19) VCF-style: chr17-7123469-C-T.
Other names: c.91C>T, p.Pro31Ser (NM_001033859.3); c.160C>T, p.Pro54Ser (NM_001270447.2); c.-138C>T (NM_001270448.2); c.91C>T (NM_000018.3); short protein forms P31S, P54S.
Identifiers: ClinVar variation 1520638 (VCV001520638.6), dbSNP rs1487946294, ClinGen allele CA397722074.